The following is an entry in ClinVar:

ClinVar aggregate classification (germline): Uncertain significance (1 of 4 stars; one submission).

Conditions:
Autosomal dominant Parkinson disease 8. Also called: Parkinson disease 8, susceptibility to; LRRK2-Related Parkinson Disease; Parkinson disease 8. Identifiers: Orphanet 411602, MedGen C1846862, MONDO:0011764, OMIM 607060.

gnomAD v4.1: 2 of 1,612,340 alleles (0.00012%); no homozygotes.

Submission:

Labcorp Genetics (formerly Invitae), Labcorp
Classification: Uncertain significance for Autosomal dominant Parkinson disease 8. Last evaluated: 2023-06-29. Review status: criteria provided, single submitter. Criteria: Invitae Variant Classification Sherloc (09022015). Collection method: clinical testing. Allele origin: germline.
Comment: In summary, the available evidence is currently insufficient to determine the role of this variant in disease. Therefore, it has been classified as a Variant of Uncertain Significance. Advanced modeling of protein sequence and biophysical properties (such as structural, functional, and spatial information, amino acid conservation, physicochemical variation, residue mobility, and thermodynamic stability) has been performed at Invitae for this missense variant, however the output from this modeling did not meet the statistical confidence thresholds required to predict the impact of this variant on LRRK2 protein function. ClinVar contains an entry for this variant (Variation ID: 1913638). This variant has not been reported in the literature in individuals affected with LRRK2-related conditions. This variant is not present in population databases (gnomAD no frequency). This sequence change replaces histidine, which is basic and polar, with glutamine, which is neutral and polar, at codon 1574 of the LRRK2 protein (p.His1574Gln).

NM_198578.4(LRRK2):c.4722C>A (p.His1574Gln)

Gene: LRRK2 (leucine rich repeat kinase 2; plus strand). Cytogenetic location: 12q12.
Variant type: single nucleotide variant.
Coding change: c.4722C>A on transcript NM_198578.4 (MANE Select); coding-DNA position 4722, C replaced by A.
Protein change: p.His1574Gln; replaces histidine 1574 with glutamine.
Molecular consequence: missense variant.
Genome position (GRCh38, 1-based): chr12:40,314,157, C>A. VCF-style: chr12-40314157-C-A. GRCh37 (hg19) VCF-style: chr12-40707959-C-A.
Other names: short protein forms H1574Q.
Identifiers: ClinVar variation 1913638 (VCV001913638.5), dbSNP rs139714137, ClinGen allele CA235359523.